The following is an entry in ClinVar:

ClinVar aggregate classification (germline): Conflicting classifications of pathogenicity. Review status: criteria provided, conflicting classifications (1 of 4 stars). 6 submissions from 5 submitters: Uncertain significance (2); Likely benign (4). Last evaluated 2025-04-09.

Conditions:
Waardenburg syndrome. Also called: Waardenburg's syndrome. Identifiers: Orphanet 3440, MedGen C3266898, MONDO:0018094.
Craniofacial-deafness-hand syndrome (CDHS). Identifiers: Orphanet 1529, MedGen C1852510, MONDO:0007395, OMIM 122880.
PAX3-related disorder. Also called: PAX3-related condition.

Allele frequency attached by ClinVar (database versions not stated): ExAC 0.00001; gnomAD exomes 0.00003 and 0.00004; gnomAD 0.00011 and 0.00012; TOPMed 0.00011; 1000 Genomes Project 30x 0.00016; 1000 Genomes Project 0.00020.
gnomAD v4.1: 82 of 1,613,776 alleles (0.0051%); highest among the groups gnomAD compares: Middle Eastern, 0.083%; no homozygotes.

Submissions (6):

PreventionGenetics, part of Exact Sciences
Classification: Likely benign for PAX3-related condition. Last evaluated: 2025-04-09. Review status: criteria provided, single submitter. Criteria: ACMG Guidelines, 2015. Collection method: clinical testing. Allele origin: germline.
Comment: This variant is classified as likely benign based on ACMG/AMP sequence variant interpretation guidelines (Richards et al. 2015 PMID: 25741868, with internal and published modifications).

Blueprint Genetics
Classification: Likely benign. Last evaluated: 2024-10-01. Review status: criteria provided, single submitter. Criteria: ACMG Guidelines, 2015. Collection method: clinical testing. Allele origin: germline.

Labcorp Genetics (formerly Invitae), Labcorp
Classification: Likely benign. Last evaluated: 2024-02-17. Review status: criteria provided, single submitter. Criteria: Invitae Variant Classification Sherloc (09022015). Collection method: clinical testing. Allele origin: germline.

Illumina Laboratory Services, Illumina
Classification: Uncertain significance for Craniofacial-deafness-hand syndrome. Last evaluated: 2018-01-12. Review status: criteria provided, single submitter. Criteria: ICSL Variant Classification Criteria 13 December 2019. Collection method: clinical testing. Allele origin: germline.

Illumina Laboratory Services, Illumina
Classification: Uncertain significance for Waardenburg syndrome. Last evaluated: 2018-01-12. Review status: criteria provided, single submitter. Criteria: ICSL Variant Classification Criteria 13 December 2019. Collection method: clinical testing. Allele origin: germline.

Laboratory for Molecular Medicine, Mass General Brigham Personalized Medicine
Classification: Likely benign. Last evaluated: 2017-06-22. Review status: criteria provided, single submitter. Criteria: LMM Criteria. Collection method: clinical testing. Allele origin: germline. Observed: 1 variant allele.
Comment: c.955+9G>A in intron 6 of PAX3: This variant is not expected to have clinical si gnificance because it is not located within the conserved splice consensus seque nce. It has been identified in 9/24028 African chromosomes by the Genome Aggrega tion Database (gnomAD; dbSNP rs185119406).

NM_181458.4(PAX3):c.958+9G>A

Genes: PAX3 (paired box 3; minus strand), LOC126806529 (CDK7 strongly-dependent group 2 enhancer GRCh37_chr2:223084735-223085934; plus strand). Cytogenetic location: 2q36.1.
Variant type: single nucleotide variant.
Coding change: c.958+9G>A on transcript NM_181458.4 (MANE Select); 9 bases into the intron after coding-DNA position 958, G replaced by A.
Molecular consequence: intron variant.
Genome position (GRCh38, 1-based): chr2:222,221,213, C>T on the plus strand (G>A on the coding strand, the complement: PAX3 is on the minus strand). VCF-style: chr2-222221213-C-T. GRCh37 (hg19) VCF-style: chr2-223085932-C-T.
Other names: c.955+9G>A (NM_001127366.3); c.958+9G>A (NM_181460.4, NM_181461.4, NM_181459.4 and 1 more transcripts).
Identifiers: ClinVar variation 504759 (VCV000504759.18), dbSNP rs185119406, ClinGen allele CA2135544.
Genomic context (GRCh38, chr2:222,221,213, plus strand): 5'-TGTATAAAATATCCACCAGAGAAATCGCCTGGAAGTTACTTTCTAATCTCCTTGACTCTT[C>T]CTCGGTACCTTGTGGAATAGATGTGGGCTGGTAAGAGGTCTCCGACAGCTGGTACGTTGG-3'